The following is an entry in ClinVar:

ClinVar aggregate classification (germline): Uncertain significance. Review status: criteria provided, multiple submitters, no conflicts (2 of 4 stars). 3 submissions from 3 submitters: Uncertain significance (3). Last evaluated 2026-03-03.

Conditions:
POLD1-related polyposis and colorectal cancer syndrome (CRCS10). Also called: Colorectal cancer, susceptibility to, 10; Colorectal cancer 10; COLORECTAL CANCER, SUSCEPTIBILITY TO, ON CHROMOSOME 19q. Identifiers: Orphanet 220460, MedGen C2675481, MONDO:0012953, OMIM 612591.
Hereditary cancer-predisposing syndrome. Also called: Hereditary Cancer Syndrome; Hereditary neoplastic syndrome; Neoplastic Syndromes, Hereditary; Tumor predisposition. Identifiers: Orphanet 140162, MedGen C0027672, MeSH D009386, MONDO:0015356.
Mandibular hypoplasia-deafness-progeroid syndrome. Also called: Mandibular hypoplasia, deafness, progeroid features, and lipodystrophy syndrome. Identifiers: Orphanet 363649, MedGen C3715192, MONDO:0014157, OMIM 615381.

Allele frequency attached by ClinVar (database versions not stated): gnomAD exomes below 0.00001 and 0.00001; ExAC 0.00002.
gnomAD v4.1: 6 of 1,607,478 alleles (0.00037%); highest among the groups gnomAD compares: South Asian, 0.0067%; no homozygotes.

Submissions (3):

Ambry Genetics
Classification: Uncertain significance for Hereditary cancer-predisposing syndrome. Last evaluated: 2026-03-03. Review status: criteria provided, single submitter. Criteria: Ambry Variant Classification Scheme 2023. Collection method: clinical testing. Allele origin: germline.
Comment: The c.1892+3A>G intronic variant results from an A to G substitution 3 nucleotides after coding exon 14 in the POLD1 gene. This nucleotide position is well conserved in available vertebrate species. In silico splice site analysis predicts that this alteration may weaken the native splice donor site and may result in the creation or strengthening of a novel splice donor site. Based on the available evidence, the clinical significance of this variant remains unclear.

Labcorp Genetics (formerly Invitae), Labcorp
Classification: Uncertain significance for POLD1-related polyposis and colorectal cancer syndrome. Last evaluated: 2023-10-20. Review status: criteria provided, single submitter. Criteria: Invitae Variant Classification Sherloc (09022015). Collection method: clinical testing. Allele origin: germline.
Comment: This sequence change falls in intron 15 of the POLD1 gene. It does not directly change the encoded amino acid sequence of the POLD1 protein. It affects a nucleotide within the consensus splice site. This variant is present in population databases (rs773918214, gnomAD 0.01%). This variant has not been reported in the literature in individuals affected with POLD1-related conditions. ClinVar contains an entry for this variant (Variation ID: 820289). Variants that disrupt the consensus splice site are a relatively common cause of aberrant splicing (PMID: 17576681, 9536098). Algorithms developed to predict the effect of sequence changes on RNA splicing suggest that this variant may disrupt the consensus splice site. In summary, the available evidence is currently insufficient to determine the role of this variant in disease. Therefore, it has been classified as a Variant of Uncertain Significance.

Department of Pathology and Laboratory Medicine, Sinai Health System
Classification: Uncertain significance for mandibular hypoplasia-deafness-progeroid syndrome. Last evaluated: 2021-07-30. Review status: criteria provided, single submitter. Criteria: ACMG Guidelines, 2015. Collection method: research. Allele origin: germline.

Literature cited by the submitters: PubMed 17576681 (cited by Labcorp Genetics (formerly Invitae), Labcorp); PubMed 9536098 (cited by Labcorp Genetics (formerly Invitae), Labcorp).

NM_002691.4(POLD1):c.1892+3A>G

Gene: POLD1 (DNA polymerase delta 1, catalytic subunit; plus strand). Cytogenetic location: 19q13.33.
Variant type: single nucleotide variant.
Coding change: c.1892+3A>G on transcript NM_002691.4 (MANE Select); 3 bases into the intron after coding-DNA position 1892, A replaced by G.
Molecular consequence: intron variant.
Genome position (GRCh38, 1-based): chr19:50,408,904, A>G. VCF-style: chr19-50408904-A-G. GRCh37 (hg19) VCF-style: chr19-50912161-A-G.
Other names: c.1892+3A>G (NM_001256849.1); c.1970+3A>G (NM_001308632.1).
Identifiers: ClinVar variation 820289 (VCV000820289.9), dbSNP rs773918214, ClinGen allele CA9596303.
Genomic context (GRCh38, chr19:50,408,904, plus strand): 5'-TGGCCCACAACCTGTGTTACACCACGCTCCTTCGGCCCGGGACTGCACAGAAACTGGGGT[A>G]TAGTGCCCAATTCAGCATGTGTCCCCCGAGGCCCATCTGGGCCTTCCCTTGGGGGGCTCA-3'